The following is an entry in ClinVar:

NM_022114.4(PRDM16):c.3313G>A (p.Ala1105Thr)

Gene: PRDM16 (PR/SET domain 16; plus strand). Cytogenetic location: 1p36.32.
Variant type: single nucleotide variant.
Coding change: c.3313G>A on transcript NM_022114.4 (MANE Select); coding-DNA position 3313, G replaced by A.
Protein change: p.Ala1105Thr; replaces alanine 1105 with threonine.
Molecular consequence: missense variant.
Genome position (GRCh38, 1-based): chr1:3,430,900, G>A. VCF-style: chr1-3430900-G-A. GRCh37 (hg19) VCF-style: chr1-3347464-G-A.
Other names: p.Ala1105Thr; c.3313G>A, p.Ala1105Thr (NM_199454.3); short protein forms A1105T.
Identifiers: ClinVar variation 1915212 (VCV001915212.7), dbSNP rs1358863856, ClinGen allele CA338003716.

ClinVar aggregate classification (germline): Conflicting classifications of pathogenicity. Review status: criteria provided, conflicting classifications (1 of 4 stars). 3 submissions from 3 submitters: Uncertain significance (2); Benign (1). Last evaluated 2025-02-16.

Conditions:
Left ventricular noncompaction 8 (LVNC8). Identifiers: Orphanet 154, Orphanet 54260, MedGen C3809288, MONDO:0014152, OMIM 615373.

gnomAD v4.1: 8 of 1,614,146 alleles (0.0005%); highest among the groups gnomAD compares: Non-Finnish European, 0.00059%; no homozygotes.

Submissions (3):

Laboratory of Genetics, Children's Clinical University Hospital Latvia
Classification: Benign. Last evaluated: 2025-02-16. Review status: criteria provided, single submitter. Criteria: ACMG Guidelines, 2015. Collection method: clinical testing. Allele origin: germline. Affected: yes.

Mayo Clinic Laboratories, Mayo Clinic
Classification: Uncertain significance. Last evaluated: 2024-02-22. Review status: criteria provided, single submitter. Criteria: ACMG Guidelines, 2015. Collection method: clinical testing. Allele origin: germline. Observed: 1 variant allele.
Comment: BP4

Labcorp Genetics (formerly Invitae), Labcorp
Classification: Uncertain significance for Left ventricular noncompaction 8. Last evaluated: 2024-02-08. Review status: criteria provided, single submitter. Criteria: Invitae Variant Classification Sherloc (09022015). Collection method: clinical testing. Allele origin: germline.
Comment: This sequence change replaces alanine, which is neutral and non-polar, with threonine, which is neutral and polar, at codon 1105 of the PRDM16 protein (p.Ala1105Thr). This variant is present in population databases (no rsID available, gnomAD 0.007%). This variant has not been reported in the literature in individuals affected with PRDM16-related conditions. ClinVar contains an entry for this variant (Variation ID: 1915212). An algorithm developed to predict the effect of missense changes on protein structure and function (PolyPhen-2) suggests that this variant is likely to be tolerated. In summary, the available evidence is currently insufficient to determine the role of this variant in disease. Therefore, it has been classified as a Variant of Uncertain Significance.